The following is an entry in ClinVar:

NM_001846.4(COL4A2):c.1021G>A (p.Gly341Arg)

Gene: COL4A2 (collagen type IV alpha 2 chain; plus strand). Cytogenetic location: 13q34.
Variant type: single nucleotide variant.
Coding change: c.1021G>A on transcript NM_001846.4 (MANE Select); coding-DNA position 1021, G replaced by A.
Protein change: p.Gly341Arg; replaces glycine 341 with arginine.
Molecular consequence: missense variant.
Genome position (GRCh38, 1-based): chr13:110,446,807, G>A. VCF-style: chr13-110446807-G-A. GRCh37 (hg19) VCF-style: chr13-111099154-G-A.
Other names: c.1021G>A (NM_001846.3); short protein forms G341R.
Identifiers: ClinVar variation 1363038 (VCV001363038.23), dbSNP rs1475888052, ClinGen allele CA388733320.

ClinVar aggregate classification (germline): Uncertain significance. Review status: criteria provided, multiple submitters, no conflicts (2 of 4 stars). 3 submissions from 3 submitters: Uncertain significance (3). Last evaluated 2025-01-18.

Conditions:
COL4A2-related disorder. Also called: COL4A2-related disorders; COL4A2-related condition.

Allele frequency attached by ClinVar (database versions not stated): gnomAD exomes below 0.00001 and 0.00001; TOPMed 0.00001.
gnomAD v4.1: 9 of 1,612,028 alleles (0.00056%); highest among the groups gnomAD compares: Non-Finnish European, 0.00068%; no homozygotes.

Submissions (3):

PreventionGenetics, part of Exact Sciences
Classification: Uncertain significance for COL4A2-related condition. Last evaluated: 2025-01-18. Review status: criteria provided, single submitter. Criteria: ACMG Guidelines, 2015. Collection method: clinical testing. Allele origin: germline.
Comment: The COL4A2 c.1021G>A variant is predicted to result in the amino acid substitution p.Gly341Arg. This variant has been reported to occur de novo in individuals undergoing testing for developmental disorder and autism spectrum disorder (Supplemental Table 1, Kaplanis et al. 2020. PubMed ID: 33057194; Supplemental Table 3, Zhou et al. 2022. PubMed ID: 35982159); however, detailed clinical information of these individuals was not provided. This variant results in a glycine substitution in the collagen triple helical region of the COL4A2 protein, and glycine substitution in this region is frequently pathogenic (Fidler et al. 2018. PubMed ID: 29632050). This variant is reported in 0.00088% of alleles in individuals of European (Non-Finnish) descent in gnomAD. At this time, the clinical significance of this variant is uncertain due to the absence of conclusive functional and genetic evidence.

CeGaT Center for Human Genetics Tuebingen
Classification: Uncertain significance. Last evaluated: 2024-11-01. Review status: criteria provided, single submitter. Criteria: CeGaT Center For Human Genetics Tuebingen Variant Classification Criteria Version 2. Collection method: clinical testing. Allele origin: germline. Affected: yes. Observed: 1 variant allele.
Comment: COL4A2: PM1, PM2

Labcorp Genetics (formerly Invitae), Labcorp
Classification: Uncertain significance. Last evaluated: 2022-08-10. Review status: criteria provided, single submitter. Criteria: Invitae Variant Classification Sherloc (09022015). Collection method: clinical testing. Allele origin: germline.
Comment: Advanced modeling of protein sequence and biophysical properties (such as structural, functional, and spatial information, amino acid conservation, physicochemical variation, residue mobility, and thermodynamic stability) performed at Invitae indicates that this missense variant is expected to disrupt COL4A2 protein function. In summary, the available evidence is currently insufficient to determine the role of this variant in disease. Therefore, it has been classified as a Variant of Uncertain Significance. ClinVar contains an entry for this variant (Variation ID: 1363038). This variant has not been reported in the literature in individuals affected with COL4A2-related conditions. The frequency data for this variant in the population databases is considered unreliable, as metrics indicate poor data quality at this position in the gnomAD database. This sequence change replaces glycine, which is neutral and non-polar, with arginine, which is basic and polar, at codon 341 of the COL4A2 protein (p.Gly341Arg).